The following is an entry in ClinVar:

ClinVar aggregate classification (germline): Pathogenic/Likely pathogenic. Review status: criteria provided, multiple submitters, no conflicts (2 of 4 stars). 2 submissions from 2 submitters: Pathogenic (1); Likely pathogenic (1). Last evaluated 2024-11-15.

Conditions:
Ataxia-telangiectasia syndrome (AT). Also called: AT, COMPLEMENTATION GROUP C; Ataxia-telangiectasia, complementation group D; ATAXIA-TELANGIECTASIA, COMPLEMENTATION GROUP A; ATAXIA-TELANGIECTASIA, FRESNO VARIANT; Ataxia-telangiectasia; Ataxia-telangiectasia, complementation group E. Identifiers: Orphanet 100, MedGen C0004135, MONDO:0008840, OMIM 208900.
Familial cancer of breast. Also called: hereditary breast carcinoma; BREAST CANCER, FAMILIAL; Hereditary breast cancer. Identifiers: Orphanet 227535, MedGen C0346153, MONDO:0016419, OMIM 114480. Disease mechanism: loss of function.

Submissions (2):

Natera, Inc.
Classification: Likely pathogenic for Ataxia-telangiectasia. Last evaluated: 2024-11-15. Review status: criteria provided, single submitter. Criteria: Natera Variant Classification Schema (03/2026). Collection method: clinical testing. Allele origin: germline.
Comment: The c.6684dup variant in ATM is a frameshift variant predicted to shift the reading frame beginning at codon 2229 and leads to a stop codon 20 codons downstream. This variant is expected to result in nonsense mediated decay, truncation, or a dysfunctional protein product. This variant is rare in the general population with a frequency below the threshold expected for the associated phenotype(s). Given the available evidence, this variant is classified as Likely Pathogenic.

Myriad Genetics, Inc.
Classification: Pathogenic for Familial cancer of breast. Last evaluated: 2024-01-30. Review status: criteria provided, single submitter. Criteria: Myriad Autosomal Dominant, Autosomal Recessive and X-Linked Classification Criteria (2023). Collection method: clinical testing. Allele origin: unknown.
Comment: This variant is considered pathogenic. This variant creates a frameshift predicted to result in premature protein truncation.

NM_000051.4(ATM):c.6684dup (p.Val2229fs)

Genes: ATM (ATM serine/threonine kinase; plus strand), C11orf65 (chromosome 11 open reading frame 65; minus strand). Cytogenetic location: 11q22.3.
Variant type: Duplication.
Coding change: c.6684dup on transcript NM_000051.4 (MANE Select); coding-DNA position 6684, one base duplicated (A; older notation c.6684dupA).
Protein change: p.Val2229fs; shifts the reading frame from valine 2229.
Molecular consequence: frameshift variant. On other transcripts: intron variant (2).
Genome position (GRCh38, 1-based): chr11:108,325,421, A duplicated. VCF-style (leftmost placement, unchanged base first): chr11-108325420-C-CA. GRCh37 (hg19) VCF-style: chr11-108196147-C-CA.
Other names: c.6684dup, p.Val2229fs (NM_001351834.2); c.641-16350dup (NM_001330368.2); c.*38+9799dup (NM_001351110.2); short protein forms V2229fs.
Identifiers: ClinVar variation 3148612 (VCV003148612.1), dbSNP rs2547203226, ClinGen allele CA2825001932.
Genomic context (GRCh38, chr11:108,325,420, plus strand): 5'-ACTCCCAGCTTCTCAAGGACAGTGATTTTAGTTTTCAGGAGCCTATCATGGCTCTACGCA[C>CA]AGTCATTTTGGAGATCCTGATGGAAAAGGAAATGGACAACTCACAAAGAGAATGTATTAA-3'